The following is an entry in ClinVar:

ClinVar aggregate classification (germline): Benign/Likely benign. Review status: criteria provided, multiple submitters, no conflicts (2 of 4 stars). 3 submissions from 3 submitters: Benign (1); Likely benign (2). Last evaluated 2026-02-02.

Conditions:
Early-infantile DEE. Also called: Early infantile epileptic encephalopathy with suppression bursts; Ohtahara syndrome; Early infantile epileptic encephalopathy. Identifiers: Orphanet 1934, MedGen C0393706, MONDO:0800491.

Allele frequency attached by ClinVar (database versions not stated): gnomAD exomes 0.00006 and 0.00018; ExAC 0.00025; 1000 Genomes Project 0.00040; 1000 Genomes Project 30x 0.00047; ESP Exome Variant Server 0.00069; gnomAD 0.00076 and 0.00083; TOPMed 0.00094.
gnomAD v4.1: 213 of 1,612,564 alleles (0.013%); highest among the groups gnomAD compares: African/African-American, 0.25%; no homozygotes.

Submissions (3):

Labcorp Genetics (formerly Invitae), Labcorp
Classification: Benign for Early-infantile DEE. Last evaluated: 2026-02-02. Review status: criteria provided, single submitter. Criteria: Invitae Variant Classification Sherloc (09022015). Collection method: clinical testing. Allele origin: germline.

CeGaT Center for Human Genetics Tuebingen
Classification: Likely benign. Last evaluated: 2025-11-01. Review status: criteria provided, single submitter. Criteria: CeGaT Center For Human Genetics Tuebingen Variant Classification Criteria Version 2. Collection method: clinical testing. Allele origin: germline. Affected: yes. Observed: 1 variant allele.
Comment: KCNH5: BP4, BP7, BS1

Genetic Services Laboratory, University of Chicago
Classification: Likely benign. Last evaluated: 2015-09-18. Review status: criteria provided, single submitter. Criteria: ACMG Guidelines, 2015. Collection method: clinical testing. Allele origin: germline. Affected: no.

NM_139318.5(KCNH5):c.351A>G (p.Glu117=)

Gene: KCNH5 (potassium voltage-gated channel subfamily H member 5; minus strand). Cytogenetic location: 14q23.2.
Variant type: single nucleotide variant.
Coding change: c.351A>G on transcript NM_139318.5 (MANE Select); coding-DNA position 351, A replaced by G.
Protein change: p.Glu117=; no amino-acid change (glutamic acid 117 retained).
Molecular consequence: synonymous variant.
Genome position (GRCh38, 1-based): chr14:63,001,413, T>C on the plus strand (A>G on the coding strand, the complement: KCNH5 is on the minus strand). VCF-style: chr14-63001413-T-C. GRCh37 (hg19) VCF-style: chr14-63468131-T-C.
Other names: c.351A>G, p.Glu117= (NM_172375.3).
Identifiers: ClinVar variation 435549 (VCV000435549.22), dbSNP rs116027402, ClinGen allele CA7217687.